The following is an entry in ClinVar:

NM_001999.4(FBN2):c.295C>G (p.Pro99Ala)

Gene: FBN2 (fibrillin 2; minus strand). Cytogenetic location: 5q23.3.
Variant type: single nucleotide variant.
Coding change: c.295C>G on transcript NM_001999.4 (MANE Select); coding-DNA position 295, C replaced by G.
Protein change: p.Pro99Ala; replaces proline 99 with alanine.
Molecular consequence: missense variant.
Genome position (GRCh38, 1-based): chr5:128,536,444, G>C on the plus strand (C>G on the coding strand, the complement: FBN2 is on the minus strand). VCF-style: chr5-128536444-G-C. GRCh37 (hg19) VCF-style: chr5-127872137-G-C.
Other names: short protein forms P99A.
Identifiers: ClinVar variation 1364916 (VCV001364916.6), dbSNP rs1756849074, ClinGen allele CA360761409.

ClinVar aggregate classification (germline): Uncertain significance (1 of 4 stars; one submission).

Conditions:
Congenital contractural arachnodactyly (CCA). Also called: Beals-Hecht syndrome; BEALS SYNDROME; Arthrogryposis, distal, type 9. Identifiers: Orphanet 115, MedGen C0220668, MONDO:0007363, OMIM 121050.

gnomAD v4.1: 17 of 1,614,098 alleles (0.0011%); highest among the groups gnomAD compares: Non-Finnish European, 0.0014%; no homozygotes.

Submission:

Labcorp Genetics (formerly Invitae), Labcorp
Classification: Uncertain significance for Congenital contractural arachnodactyly. Last evaluated: 2021-11-18. Review status: criteria provided, single submitter. Criteria: Invitae Variant Classification Sherloc (09022015). Collection method: clinical testing. Allele origin: germline.
Comment: In summary, the available evidence is currently insufficient to determine the role of this variant in disease. Therefore, it has been classified as a Variant of Uncertain Significance. Algorithms developed to predict the effect of missense changes on protein structure and function are either unavailable or do not agree on the potential impact of this missense change (SIFT: "Deleterious"; PolyPhen-2: "Not Available"; Align-GVGD: "Class C0"). This variant has not been reported in the literature in individuals affected with FBN2-related conditions. This variant is not present in population databases (gnomAD no frequency). This sequence change replaces proline, which is neutral and non-polar, with alanine, which is neutral and non-polar, at codon 99 of the FBN2 protein (p.Pro99Ala).